The following is an entry in ClinVar:

ClinVar aggregate classification (germline): Uncertain significance. Review status: criteria provided, multiple submitters, no conflicts (2 of 4 stars). 2 submissions from 2 submitters: Uncertain significance (2). Last evaluated 2024-05-22.

Conditions:
Bethlem myopathy 1A. Also called: Bethlem Muscular Dystrophy; Bethlem myopathy 1; MYOPATHY, BENIGN CONGENITAL, WITH CONTRACTURES. Identifiers: Orphanet 610, MedGen CN029274, MONDO:0024530, OMIM 158810.

Allele frequency attached by ClinVar (database versions not stated): gnomAD exomes 0.00001 and 0.00003; TOPMed 0.00001; gnomAD 0.00003 and 0.00004; ExAC 0.00004.
gnomAD v4.1: 19 of 1,614,104 alleles (0.0012%); highest among the groups gnomAD compares: African/African-American, 0.0013%; no homozygotes.

Submissions (2):

Revvity Omics, Revvity
Classification: Uncertain significance. Last evaluated: 2024-05-22. Review status: criteria provided, single submitter. Criteria: ACMG Guidelines, 2015. Collection method: clinical testing. Allele origin: germline.

Labcorp Genetics (formerly Invitae), Labcorp
Classification: Uncertain significance for Bethlem myopathy 1A. Last evaluated: 2019-08-27. Review status: criteria provided, single submitter. Criteria: Invitae Variant Classification Sherloc (09022015). Collection method: clinical testing. Allele origin: germline.
Comment: Algorithms developed to predict the effect of missense changes on protein structure and function are either unavailable or do not agree on the potential impact of this missense change (SIFT: "Tolerated"; PolyPhen-2: "Probably Damaging"; Align-GVGD: "Class C0"). This variant has not been reported in the literature in individuals with COL6A3-related conditions. This variant is present in population databases (rs762035107, ExAC 0.03%). This sequence change replaces aspartic acid with asparagine at codon 1782 of the COL6A3 protein (p.Asp1782Asn). The aspartic acid residue is highly conserved and there is a small physicochemical difference between aspartic acid and asparagine. In summary, the available evidence is currently insufficient to determine the role of this variant in disease. Therefore, it has been classified as a Variant of Uncertain Significance.

NM_004369.4(COL6A3):c.5344G>A (p.Asp1782Asn)

Gene: COL6A3 (collagen type VI alpha 3 chain; minus strand). Cytogenetic location: 2q37.3.
Variant type: single nucleotide variant.
Coding change: c.5344G>A on transcript NM_004369.4 (MANE Select); coding-DNA position 5344, G replaced by A.
Protein change: p.Asp1782Asn; replaces aspartic acid 1782 with asparagine.
Molecular consequence: missense variant.
Genome position (GRCh38, 1-based): chr2:237,366,843, C>T on the plus strand (G>A on the coding strand, the complement: COL6A3 is on the minus strand). VCF-style: chr2-237366843-C-T. GRCh37 (hg19) VCF-style: chr2-238275486-C-T.
Other names: c.3523G>A, p.Asp1175Asn (NM_057166.5); c.4726G>A, p.Asp1576Asn (NM_057167.4); short protein forms D1175N, D1782N, D1576N.
Identifiers: ClinVar variation 960515 (VCV000960515.11), dbSNP rs762035107, ClinGen allele CA2188688.